The following is an entry in ClinVar:

ClinVar aggregate classification (germline): Benign (1 of 4 stars; one submission).

Allele frequency attached by ClinVar (database versions not stated): 1000 Genomes Project 30x 0.55465; 1000 Genomes Project 0.56230; TOPMed 0.57612; gnomAD 0.57770 and 0.57913.
gnomAD v4.1: 88,116 of 151,942 alleles (58%); highest among the groups gnomAD compares: East Asian, 63%; 25,976 homozygotes.

Submission:

GeneDx
Classification: Benign. Last evaluated: 2018-06-14. Review status: criteria provided, single submitter. Criteria: GeneDx Variant Classification (06012015). Collection method: clinical testing. Allele origin: germline. Affected: yes.
Comment: This variant is considered likely benign or benign based on one or more of the following criteria: it is a conservative change, it occurs at a poorly conserved position in the protein, it is predicted to be benign by multiple in silico algorithms, and/or has population frequency not consistent with disease.

NM_001303.4(COX10):c.625-220G>A

Gene: COX10 (cytochrome c oxidase assembly factor heme A:farnesyltransferase COX10; plus strand). Cytogenetic location: 17p12.
Variant type: single nucleotide variant.
Coding change: c.625-220G>A on transcript NM_001303.4 (MANE Select); 220 bases into the intron before coding-DNA position 625, G replaced by A.
Molecular consequence: intron variant.
Genome position (GRCh38, 1-based): chr17:14,159,657, G>A. VCF-style: chr17-14159657-G-A. GRCh37 (hg19) VCF-style: chr17-14062974-G-A.
Identifiers: ClinVar variation 683592 (VCV000683592.1), dbSNP rs35926863, ClinGen allele CA15913653.
Genomic context (GRCh38, chr17:14,159,657, plus strand): 5'-CATATGCCAAGGGACTTGGCTACTTGTATGTTTAACAGGTGATTTTCAAAGTGGATAAAA[G>A]TAGATATTCCTGACACCTAGTGCAAATTATTGTTGTTGTTTTGGTTTTTTGTTTGTTTGT-3'